The following is an entry in ClinVar:

NM_130384.3(ATRIP):c.790C>G (p.Gln264Glu)

Genes: ATRIP (ATR interacting protein; plus strand), ATRIP-TREX1 (ATRIP-TREX1 readthrough; plus strand). Cytogenetic location: 3p21.31.
Variant type: single nucleotide variant.
Coding change: c.790C>G on transcript NM_130384.3 (MANE Select); coding-DNA position 790, C replaced by G.
Protein change: p.Gln264Glu; replaces glutamine 264 with glutamic acid.
Molecular consequence: missense variant. On other transcripts: non-coding transcript variant (1).
Genome position (GRCh38, 1-based): chr3:48,457,377, C>G. VCF-style: chr3-48457377-C-G. GRCh37 (hg19) VCF-style: chr3-48498777-C-G.
Other names: c.409C>G, p.Gln137Glu (NM_001271022.2); c.511C>G, p.Gln171Glu (NM_001271023.2); c.790C>G, p.Gln264Glu (NM_032166.4); c.790C>G (NM_130384.1); short protein forms Q137E, Q171E, Q264E.
Identifiers: ClinVar variation 3698133 (VCV003698133.3).

ClinVar aggregate classification (germline): Uncertain significance. Review status: criteria provided, multiple submitters, no conflicts (2 of 4 stars). 2 submissions from 2 submitters: Uncertain significance (2). Last evaluated 2025-01-14.

gnomAD v4.1: 7 of 1,597,350 alleles (0.00044%); highest among the groups gnomAD compares: Non-Finnish European, 0.00043%; no homozygotes.

Submissions (2):

Ambry Genetics
Classification: Uncertain significance. Last evaluated: 2025-01-14. Review status: criteria provided, single submitter. Criteria: Ambry Variant Classification Scheme 2023. Collection method: clinical testing. Allele origin: germline.
Comment: The p.Q264E variant (also known as c.790C>G), located in coding exon 5 of the ATRIP gene, results from a C to G substitution at nucleotide position 790. The glutamine at codon 264 is replaced by glutamic acid, an amino acid with highly similar properties. This amino acid position is conserved. In addition, this alteration is predicted to be tolerated by in silico analysis. Based on the available evidence, the clinical significance of this variant remains unclear.

Labcorp Genetics (formerly Invitae), Labcorp
Classification: Uncertain significance. Last evaluated: 2024-02-19. Review status: criteria provided, single submitter. Criteria: Invitae Variant Classification Sherloc (09022015). Collection method: clinical testing. Allele origin: germline.
Comment: This sequence change replaces glutamine, which is neutral and polar, with glutamic acid, which is acidic and polar, at codon 264 of the ATRIP protein (p.Gln264Glu). This variant is not present in population databases (gnomAD no frequency). This variant has not been reported in the literature in individuals affected with ATRIP-related conditions. An algorithm developed to predict the effect of missense changes on protein structure and function (PolyPhen-2) suggests that this variant is likely to be tolerated. In summary, the available evidence is currently insufficient to determine the role of this variant in disease. Therefore, it has been classified as a Variant of Uncertain Significance.